The following is an entry in ClinVar:

ClinVar aggregate classification (germline): Uncertain significance (1 of 4 stars; one submission).

Submission:

Ambry Genetics
Classification: Uncertain significance. Last evaluated: 2025-04-18. Review status: criteria provided, single submitter. Criteria: Ambry Variant Classification Scheme 2023. Collection method: clinical testing. Allele origin: germline.
Comment: The p.P1407L variant (also known as c.4220C>T), located in coding exon 19 of the WNK2 gene, results from a C to T substitution at nucleotide position 4220. The proline at codon 1407 is replaced by leucine, an amino acid with similar properties. This amino acid position is conserved. In addition, this alteration is predicted to be tolerated by in silico analysis. Based on the available evidence, the clinical significance of this variant remains unclear.

NM_006648.4(WNK2):c.4220C>T (p.Pro1407Leu)

Gene: WNK2 (WNK lysine deficient protein kinase 2; plus strand). Cytogenetic location: 9q22.31.
Variant type: single nucleotide variant.
Coding change: c.4220C>T on transcript NM_006648.4 (MANE Select); coding-DNA position 4220, C replaced by T.
Protein change: p.Pro1407Leu; replaces proline 1407 with leucine.
Molecular consequence: missense variant.
Genome position (GRCh38, 1-based): chr9:93,288,974, C>T. VCF-style: chr9-93288974-C-T. GRCh37 (hg19) VCF-style: chr9-96051256-C-T.
Other names: c.4331C>T, p.Pro1444Leu (NM_001282394.3); short protein forms P1407L, P1444L.
Identifiers: ClinVar variation 3981903 (VCV003981903.1).
Genomic context (GRCh38, chr9:93,288,974, plus strand): 5'-CCTCCCCTCCTGTGACTGCTCTGCCCCAAGATGGAGCAGCTCCAGCCACCAGCACCATGC[C>T]AGAGCCAGCGTCAGGAACTGCCAGCCAGGCAGGGGGTCCAGGGACACCTCAGGGGCTGAC-3'
Protein context (NP_006639.3, residues 1397-1417): DGAAPATSTM[Pro1407Leu]EPASGTASQA